The following is an entry in ClinVar:

NM_001127222.2(CACNA1A):c.4609G>A (p.Ala1537Thr)

Gene: CACNA1A (calcium voltage-gated channel subunit alpha1 A; minus strand). Cytogenetic location: 19p13.13.
Variant type: single nucleotide variant.
Coding change: c.4609G>A on transcript NM_001127222.2 (MANE Select); coding-DNA position 4609, G replaced by A.
Protein change: p.Ala1537Thr; replaces alanine 1537 with threonine.
Molecular consequence: missense variant.
Genome position (GRCh38, 1-based): chr19:13,255,241, C>T on the plus strand (G>A on the coding strand, the complement: CACNA1A is on the minus strand). VCF-style: chr19-13255241-C-T. GRCh37 (hg19) VCF-style: chr19-13366055-C-T.
Other names: c.4621G>A, p.Ala1541Thr (NM_000068.4, NM_023035.3); c.4612G>A, p.Ala1538Thr (NM_001127221.2, NM_001174080.2); c.4612G>A (NM_001127221.1); short protein forms A1537T, A1538T, A1541T.
Identifiers: ClinVar variation 1449362 (VCV001449362.8), dbSNP rs773209223, ClinGen allele CA9239979.

ClinVar aggregate classification (germline): Uncertain significance. Review status: criteria provided, multiple submitters, no conflicts (2 of 4 stars). 2 submissions from 2 submitters: Uncertain significance (2). Last evaluated 2024-02-23.

Conditions:
Episodic ataxia type 2 (EA2). Also called: ACETAZOLAMIDE-RESPONSIVE HEREDITARY PAROXYSMAL CEREBELLAR ATAXIA; EPISODIC ATAXIA, NYSTAGMUS-ASSOCIATED; ATAXIA, EPISODIC, WITH NYSTAGMUS; ATAXIA, FAMILIAL PAROXYSMAL; CEREBELLAR ATAXIA, PAROXYSMAL, ACETAZOLAMIDE-RESPONSIVE; CEREBELLOPATHY, HEREDITARY PAROXYSMAL. Identifiers: Orphanet 97, MedGen C1720416, MONDO:0007163, OMIM 108500.
Developmental and epileptic encephalopathy, 42 (DEE42A). Also called: DEVELOPMENTAL AND EPILEPTIC ENCEPHALOPATHY 42A; EPILEPTIC ENCEPHALOPATHY, EARLY INFANTILE, 42A; Epileptic encephalopathy, early infantile, 42. Identifiers: MedGen C4310716, MONDO:0014917, OMIM 617106.

Allele frequency attached by ClinVar (database versions not stated): gnomAD exomes below 0.00001 and 0.00001; ExAC 0.00002; gnomAD 0.00003.
gnomAD v4.1: 14 of 1,601,272 alleles (0.00087%); highest among the groups gnomAD compares: East Asian, 0.0022%; no homozygotes.

Submissions (2):

Labcorp Genetics (formerly Invitae), Labcorp
Classification: Uncertain significance for Developmental and epileptic encephalopathy, 42; Episodic ataxia type 2. Last evaluated: 2024-02-23. Review status: criteria provided, single submitter. Criteria: Invitae Variant Classification Sherloc (09022015). Collection method: clinical testing. Allele origin: germline.
Comment: This sequence change replaces alanine, which is neutral and non-polar, with threonine, which is neutral and polar, at codon 1538 of the CACNA1A protein (p.Ala1538Thr). This variant is present in population databases (rs773209223, gnomAD 0.005%). This missense change has been observed in individual(s) with clinical features of CACNA1A-related conditions (PMID: 34806130). ClinVar contains an entry for this variant (Variation ID: 1449362). Advanced modeling of protein sequence and biophysical properties (such as structural, functional, and spatial information, amino acid conservation, physicochemical variation, residue mobility, and thermodynamic stability) has been performed at Invitae for this missense variant, however the output from this modeling did not meet the statistical confidence thresholds required to predict the impact of this variant on CACNA1A protein function. In summary, the available evidence is currently insufficient to determine the role of this variant in disease. Therefore, it has been classified as a Variant of Uncertain Significance.

Revvity Omics, Revvity
Classification: Uncertain significance. Last evaluated: 2022-10-27. Review status: criteria provided, single submitter. Criteria: ACMG Guidelines, 2015. Collection method: clinical testing. Allele origin: germline.

Literature cited by the submitters: PubMed 34806130 (cited by Labcorp Genetics (formerly Invitae), Labcorp).